The following is an entry in ClinVar:

NM_000264.5(PTCH1):c.3587C>T (p.Pro1196Leu)

Gene: PTCH1 (patched 1; minus strand). Cytogenetic location: 9q22.32.
Variant type: single nucleotide variant.
Coding change: c.3587C>T on transcript NM_000264.5 (MANE Select); coding-DNA position 3587, C replaced by T.
Protein change: p.Pro1196Leu; replaces proline 1196 with leucine.
Molecular consequence: missense variant. On other transcripts: non-coding transcript variant (1).
Genome position (GRCh38, 1-based): chr9:95,449,286, G>A on the plus strand (C>T on the coding strand, the complement: PTCH1 is on the minus strand). VCF-style: chr9-95449286-G-A. GRCh37 (hg19) VCF-style: chr9-98211568-G-A.
Other names: c.3389C>T, p.Pro1130Leu (NM_001083602.3); c.3584C>T, p.Pro1195Leu (NM_001083603.3); c.3134C>T, p.Pro1045Leu (NM_001083604.3, NM_001083605.3, NM_001083606.3 and 1 more transcripts); c.3431C>T, p.Pro1144Leu (NM_001354918.2); short protein forms P1045L, P1195L, P1196L, P1130L, P1144L.
Identifiers: ClinVar variation 3427210 (VCV003427210.3).

ClinVar aggregate classification (germline): Uncertain significance. Review status: criteria provided, multiple submitters, no conflicts (2 of 4 stars). 2 submissions from 2 submitters: Uncertain significance (2). Last evaluated 2024-10-16.

Conditions:
Hereditary cancer-predisposing syndrome. Also called: Hereditary Cancer Syndrome; Hereditary neoplastic syndrome; Neoplastic Syndromes, Hereditary; Tumor predisposition. Identifiers: Orphanet 140162, MedGen C0027672, MeSH D009386, MONDO:0015356.
Gorlin syndrome. Also called: Basal cell nevus syndrome; Nevoid Basal Cell Carcinoma Syndrome. Identifiers: Orphanet 377, MedGen C0004779, MONDO:0007187.

Submissions (2):

Ambry Genetics
Classification: Uncertain significance for Hereditary cancer-predisposing syndrome. Last evaluated: 2024-10-16. Review status: criteria provided, single submitter. Criteria: Ambry Variant Classification Scheme 2023. Collection method: clinical testing. Allele origin: germline.
Comment: The p.P1196L variant (also known as c.3587C>T), located in coding exon 22 of the PTCH1 gene, results from a C to T substitution at nucleotide position 3587. The proline at codon 1196 is replaced by leucine, an amino acid with similar properties. This variant has been reported as a somatic alteration in tumor tissue along with a germline pathogenic variant in PTCH1 in an individual with features of Nevoid basal cell carcinoma syndrome (Martinez MF et al. Cells, 2019 Feb;8:). It has also been identified as a somatic variant in tumor tissue from another individual with basal cell carcinoma (Maturo MG et al. Sci Rep, 2020 May;10:8005). This amino acid position is well conserved in available vertebrate species. In addition, the in silico prediction for this alteration is inconclusive. Based on the available evidence, the clinical significance of this variant remains unclear.

Labcorp Genetics (formerly Invitae), Labcorp
Classification: Uncertain significance for Gorlin syndrome. Last evaluated: 2024-05-22. Review status: criteria provided, single submitter. Criteria: Invitae Variant Classification Sherloc (09022015). Collection method: clinical testing. Allele origin: germline.
Comment: This sequence change replaces proline, which is neutral and non-polar, with leucine, which is neutral and non-polar, at codon 1196 of the PTCH1 protein (p.Pro1196Leu). This variant is not present in population databases (gnomAD no frequency). This variant has not been reported in the literature in individuals affected with PTCH1-related conditions. Advanced modeling of protein sequence and biophysical properties (such as structural, functional, and spatial information, amino acid conservation, physicochemical variation, residue mobility, and thermodynamic stability) performed at Invitae indicates that this missense variant is not expected to disrupt PTCH1 protein function with a negative predictive value of 95%. In summary, the available evidence is currently insufficient to determine the role of this variant in disease. Therefore, it has been classified as a Variant of Uncertain Significance.

Literature cited by the submitters: PubMed 30754660 (cited by Ambry Genetics); PubMed 32409749 (cited by Ambry Genetics).